The following is an entry in ClinVar:

NM_001018005.2(TPM1):c.563+289A>C

Gene: TPM1 (tropomyosin 1; plus strand). Cytogenetic location: 15q22.2.
Variant type: single nucleotide variant.
Coding change: c.563+289A>C on transcript NM_001018005.2 (MANE Select); 289 bases into the intron after coding-DNA position 563, A replaced by C.
Molecular consequence: intron variant. On other transcripts: missense variant (21), non-coding transcript variant (16).
Genome position (GRCh38, 1-based): chr15:63,061,228, A>C. VCF-style: chr15-63061228-A-C. GRCh37 (hg19) VCF-style: chr15-63353427-A-C.
Other names: c.594A>C, p.Arg198Ser (NM_000366.6, NM_001018006.2, NM_001018020.2 and 10 more transcripts); c.486A>C, p.Arg162Ser (NM_001330344.2, NM_001330351.2, NM_001365781.2 and 3 more transcripts); c.720A>C, p.Arg240Ser (NM_001407322.1, NM_001407323.1); c.689+289A>C (NM_001365778.1, NM_001407324.1); c.563+289A>C (NM_001407338.1, NM_001018007.2, NM_001365776.1 and 7 more transcripts); c.455+289A>C (NM_001018008.2, NM_001301289.2, NM_001365782.1 and 3 more transcripts); short protein forms R162S, R198S, R240S.
Identifiers: ClinVar variation 3360242 (VCV003360242.1).
Genomic context (GRCh38, chr15:63,061,228, plus strand): 5'-GCCTTGTGCATTTCCTGTGTCCACTAACAGCCAAGTCCGACAGCTGGAAGAACAATTAAG[A>C]ATAATGGATCAGACCTTGAAAGCATTAATGGCTGCAGAGGATAAGGTACTGATGGCTCGT-3'

ClinVar aggregate classification (germline): Uncertain significance (1 of 4 stars; one submission).

gnomAD v4.1: 5 of 1,614,086 alleles (0.00031%); highest among the groups gnomAD compares: Admixed American, 0.0083%; no homozygotes.

Submission:

GeneDx
Classification: Uncertain significance. Last evaluated: 2023-06-26. Review status: criteria provided, single submitter. Criteria: GeneDx Variant Classification Process June 2021. Collection method: clinical testing. Allele origin: germline. Affected: yes.
Comment: Not observed at significant frequency in large population cohorts (gnomAD); In silico analysis supports that this missense variant has a deleterious effect on protein structure/function; Reported using an alternate transcript of the gene; Has not been previously published as pathogenic or benign to our knowledge